The following is an entry in ClinVar:

NM_182641.4(BPTF):c.1865-5659A>C

Gene: BPTF (bromodomain PHD finger transcription factor; plus strand). Cytogenetic location: 17q24.2.
Variant type: single nucleotide variant.
Coding change: c.1865-5659A>C on transcript NM_182641.4 (MANE Select); 5659 bases into the intron before coding-DNA position 1865, A replaced by C.
Molecular consequence: intron variant. On other transcripts: missense variant (4).
Genome position (GRCh38, 1-based): chr17:67,886,185, A>C. VCF-style: chr17-67886185-A-C. GRCh37 (hg19) VCF-style: chr17-65882301-A-C.
Other names: c.2111A>C, p.Gln704Pro (NM_001439140.1, NM_001439142.1, NM_004459.7); c.1922A>C, p.Gln641Pro (NM_001439143.1); c.2054-5659A>C (NM_001439141.1, NM_001439139.1, NM_001439144.1); short protein forms Q641P, Q704P.
Identifiers: ClinVar variation 5009987 (VCV005009987.1).

ClinVar aggregate classification (germline): Uncertain significance (1 of 4 stars; one submission).

Submission:

GeneDx
Classification: Uncertain significance. Last evaluated: 2026-02-11. Review status: criteria provided, single submitter. Criteria: GeneDx Variant Classification Process June 2021. Collection method: clinical testing. Allele origin: germline.
Comment: Not observed at significant frequency in large population cohorts (gnomAD); In silico analysis suggests that this missense variant does not alter protein structure/function; Has not been previously published as pathogenic or benign to our knowledge